The following is an entry in ClinVar:

NM_001035.3(RYR2):c.14741A>G (p.Asn4914Ser)

Gene: RYR2 (ryanodine receptor 2; plus strand). Cytogenetic location: 1q43.
Variant type: single nucleotide variant.
Coding change: c.14741A>G on transcript NM_001035.3 (MANE Select); coding-DNA position 14741, A replaced by G.
Protein change: p.Asn4914Ser; replaces asparagine 4914 with serine.
Molecular consequence: missense variant.
Genome position (GRCh38, 1-based): chr1:237,830,615, A>G. VCF-style: chr1-237830615-A-G. GRCh37 (hg19) VCF-style: chr1-237993915-A-G.
Other names: short protein forms N4914S.
Identifiers: ClinVar variation 3069519 (VCV003069519.1), dbSNP rs1203917003, ClinGen allele CA345409823.

ClinVar aggregate classification (germline): Uncertain significance (1 of 4 stars; one submission).

Conditions:
Catecholaminergic polymorphic ventricular tachycardia (CVPT). Also called: Catecholamine-induced polymorphic ventricular tachycardia. Identifiers: Orphanet 3286, MedGen C5574922, MONDO:0017990.

Submission:

All of Us Research Program, National Institutes of Health
Classification: Uncertain significance for Catecholaminergic polymorphic ventricular tachycardia. Last evaluated: 2023-02-24. Review status: criteria provided, single submitter. Criteria: ACMG Guidelines, 2015. Collection method: clinical testing. Allele origin: germline. Inheritance: Autosomal dominant inheritance. Observed: 1 variant allele, 1 heterozygote.
Comment: This missense variant replaces asparagine with serine at codon 4914 of the RYR2 protein. Computational prediction suggests that this variant may have deleterious impact on protein structure and function (internally defined REVEL score threshold >= 0.7, PMID: 27666373). To our knowledge, functional studies have not been reported for this variant. This variant has not been reported in individuals affected with RYR2-related disorders in the literature. This variant has not been identified in the general population by the Genome Aggregation Database (gnomAD). The available evidence is insufficient to determine the role of this variant in disease conclusively. Therefore, this variant is classified as a Variant of Uncertain Significance.

This study involves interpretation of variants in research participants for the purpose of population health screening. Participant phenotype was not available at the time of variant classification. Additional details can be found in publication PMID: 35346344, PMCID: PMC8962531